The following is an entry in ClinVar:

NM_000322.5(PRPH2):c.547C>T (p.Arg183Cys)

Gene: PRPH2 (peripherin 2; minus strand). Cytogenetic location: 6p21.1.
Variant type: single nucleotide variant.
Coding change: c.547C>T on transcript NM_000322.5 (MANE Select); coding-DNA position 547, C replaced by T.
Protein change: p.Arg183Cys; replaces arginine 183 with cysteine.
Molecular consequence: missense variant.
Genome position (GRCh38, 1-based): chr6:42,721,788, G>A on the plus strand (C>T on the coding strand, the complement: PRPH2 is on the minus strand). VCF-style: chr6-42721788-G-A. GRCh37 (hg19) VCF-style: chr6-42689526-G-A.
Other names: c.547C>T (NM_000322.4); short protein forms R183C.
Identifiers: ClinVar variation 1516624 (VCV001516624.9), dbSNP rs755449912, ClinGen allele CA3808596.

ClinVar aggregate classification (germline): Uncertain significance. Review status: criteria provided, multiple submitters, no conflicts (2 of 4 stars). 2 submissions from 2 submitters: Uncertain significance (2). Last evaluated 2026-05-12.

Conditions:
PRPH2-related disorder. Also called: PRPH2-related disorders; PRPH2-related condition. Identifiers: MedGen CN239395.
Inborn genetic diseases. Identifiers: MedGen C0950123, MeSH D030342.

Allele frequency attached by ClinVar (database versions not stated): gnomAD exomes below 0.00001; ExAC 0.00001; gnomAD 0.00001.

Submissions (2):

Ambry Genetics
Classification: Uncertain significance for Inborn genetic diseases. Last evaluated: 2026-05-12. Review status: criteria provided, single submitter. Criteria: Ambry Variant Classification Scheme 2023. Collection method: clinical testing. Allele origin: germline.

Labcorp Genetics (formerly Invitae), Labcorp
Classification: Uncertain significance for PRPH2-related disorder. Last evaluated: 2021-02-15. Review status: criteria provided, single submitter. Criteria: Invitae Variant Classification Sherloc (09022015). Collection method: clinical testing. Allele origin: germline.
Comment: In summary, the available evidence is currently insufficient to determine the role of this variant in disease. Therefore, it has been classified as a Variant of Uncertain Significance. Advanced modeling of protein sequence and biophysical properties (such as structural, functional, and spatial information, amino acid conservation, physicochemical variation, residue mobility, and thermodynamic stability) performed at Invitae indicates that this missense variant is expected to disrupt PRPH2 protein function. This variant has not been reported in the literature in individuals with PRPH2-related conditions. This variant is present in population databases (rs755449912, ExAC 0.001%). This sequence change replaces arginine with cysteine at codon 183 of the PRPH2 protein (p.Arg183Cys). The arginine residue is highly conserved and there is a large physicochemical difference between arginine and cysteine.